The following is an entry in ClinVar:

ClinVar aggregate classification (germline): Uncertain significance. Review status: criteria provided, multiple submitters, no conflicts (2 of 4 stars). 4 submissions from 4 submitters: Uncertain significance (4). Last evaluated 2026-03-06.

Conditions:
Bardet-Biedl syndrome (BBS). Identifiers: Orphanet 110, MedGen C0752166, MONDO:0015229.
TRIM32-related disorder. Also called: TRIM32-related condition.
Inborn genetic diseases. Identifiers: MedGen C0950123, MeSH D030342.
Sarcotubular myopathy (LGMDR8). Also called: Limb-girdle muscular dystrophy, type 2H; MUSCULAR DYSTROPHY, LIMB-GIRDLE, AUTOSOMAL RECESSIVE 8; Autosomal recessive limb-girdle muscular dystrophy type 2H; Hutterite type of muscular dystrophy. Identifiers: Orphanet 1878, MedGen C0270968, MONDO:0009683, OMIM 254110.
Bardet-Biedl syndrome 11 (BBS11). Identifiers: Orphanet 110, MedGen C1859569, MONDO:0014439, OMIM 615988.

Allele frequency attached by ClinVar (database versions not stated): ExAC 0.00002; gnomAD exomes 0.00002; TOPMed 0.00002; gnomAD 0.00003.
gnomAD v4.1: 19 of 1,614,074 alleles (0.0012%); highest among the groups gnomAD compares: Admixed American, 0.0033%; no homozygotes.

Submissions (4):

PreventionGenetics, part of Exact Sciences
Classification: Uncertain significance for TRIM32-related condition. Last evaluated: 2026-03-06. Review status: criteria provided, single submitter. Criteria: ACMG Guidelines, 2015. Collection method: clinical testing. Allele origin: germline.
Comment: The TRIM32 c.133C>T variant is predicted to result in the amino acid substitution p.Arg45Cys. To our knowledge, this variant has not been reported in the literature. This variant is reported in 0.0080% of alleles in individuals of African descent in gnomAD. At this time, the clinical significance of this variant is uncertain due to the absence of conclusive functional and genetic evidence.

Ambry Genetics
Classification: Uncertain significance for Inborn genetic diseases. Last evaluated: 2023-09-29. Review status: criteria provided, single submitter. Criteria: Ambry Variant Classification Scheme 2023. Collection method: clinical testing. Allele origin: germline.

Labcorp Genetics (formerly Invitae), Labcorp
Classification: Uncertain significance for Bardet-Biedl syndrome. Last evaluated: 2022-10-13. Review status: criteria provided, single submitter. Criteria: Invitae Variant Classification Sherloc (09022015). Collection method: clinical testing. Allele origin: germline.
Comment: This sequence change replaces arginine, which is basic and polar, with cysteine, which is neutral and slightly polar, at codon 45 of the TRIM32 protein (p.Arg45Cys). This variant is present in population databases (rs753738560, gnomAD 0.008%). This variant has not been reported in the literature in individuals affected with TRIM32-related conditions. ClinVar contains an entry for this variant (Variation ID: 1060191). Algorithms developed to predict the effect of missense changes on protein structure and function output the following: SIFT: "Deleterious"; PolyPhen-2: "Benign"; Align-GVGD: "Class C25". The cysteine amino acid residue is found in multiple mammalian species, which suggests that this missense change does not adversely affect protein function. In summary, the available evidence is currently insufficient to determine the role of this variant in disease. Therefore, it has been classified as a Variant of Uncertain Significance.

Fulgent Genetics
Classification: Uncertain significance for Sarcotubular myopathy; Bardet-Biedl syndrome 11. Last evaluated: 2022-04-11. Review status: criteria provided, single submitter. Criteria: ACMG Guidelines, 2015. Collection method: clinical testing. Allele origin: unknown.

NM_012210.4(TRIM32):c.133C>T (p.Arg45Cys)

Genes: ASTN2 (astrotactin 2; minus strand), TRIM32 (tripartite motif containing 32; plus strand). Cytogenetic location: 9q33.1.
Variant type: single nucleotide variant.
Coding change: c.133C>T on transcript NM_012210.4 (MANE Select); coding-DNA position 133, C replaced by T.
Protein change: p.Arg45Cys; replaces arginine 45 with cysteine.
Molecular consequence: missense variant. On other transcripts: intron variant (3).
Genome position (GRCh38, 1-based): chr9:116,697,875, C>T. VCF-style: chr9-116697875-C-T. GRCh37 (hg19) VCF-style: chr9-119460154-C-T.
Other names: c.133C>T, p.Arg45Cys (NM_001099679.2, NM_001379048.1, NM_001379049.1 and 1 more transcripts); c.2653+27896G>A (NM_014010.5); c.2794+27896G>A (NM_001365069.1); c.2806+27896G>A (NM_001365068.1); short protein forms R45C.
Identifiers: ClinVar variation 1060191 (VCV001060191.9), dbSNP rs753738560, ClinGen allele CA5210911.